The following is an entry in ClinVar:

NC_000021.8:g.(?_47551848)_(47575437_?)dup

Genes: COL6A2 (collagen type VI alpha 2 chain; plus strand), FTCD (formimidoyltransferase cyclodeaminase; minus strand). Cytogenetic location: 21q22.3.
Variant type: Duplication.
Identifiers: ClinVar variation 3248169 (VCV003248169.1).

ClinVar aggregate classification (germline): Uncertain significance (1 of 4 stars; one submission).

Conditions:
Bethlem myopathy 1A. Also called: MYOPATHY, BENIGN CONGENITAL, WITH CONTRACTURES; Bethlem myopathy 1; Bethlem Muscular Dystrophy. Identifiers: Orphanet 610, MedGen CN029274, MONDO:0024530, OMIM 158810.

Submission:

Labcorp Genetics (formerly Invitae), Labcorp
Classification: Uncertain significance for Bethlem myopathy 1A. Last evaluated: 2023-07-27. Review status: criteria provided, single submitter. Criteria: Invitae Variant Classification Sherloc (09022015). Collection method: clinical testing. Allele origin: unknown.
Comment: In summary, the available evidence is currently insufficient to determine the role of this variant in disease. Therefore, it has been classified as a Variant of Uncertain Significance. This variant has not been reported in the literature in individuals affected with COL6A2-related conditions. This variant results in a copy number gain of the genomic region encompassing exon(s) 28 of the COL6A2 gene. This region includes the termination codon of the gene. This copy number gain extends beyond the assayed region for this gene and therefore may encompass additional genes. As the precise location of this event is unknown, it may be in tandem or it may be located elsewhere in the genome.